The following is an entry in ClinVar:

NM_017909.4(RMND1):c.920A>G (p.Asn307Ser)

Gene: RMND1 (required for meiotic nuclear division 1 homolog; minus strand). Cytogenetic location: 6q25.1.
Variant type: single nucleotide variant.
Coding change: c.920A>G on transcript NM_017909.4 (MANE Select); coding-DNA position 920, A replaced by G.
Protein change: p.Asn307Ser; replaces asparagine 307 with serine.
Molecular consequence: missense variant.
Genome position (GRCh38, 1-based): chr6:151,423,542, T>C on the plus strand (A>G on the coding strand, the complement: RMND1 is on the minus strand). VCF-style: chr6-151423542-T-C. GRCh37 (hg19) VCF-style: chr6-151744677-T-C.
Other names: c.410A>G, p.Asn137Ser (NM_001271937.2); short protein forms N307S, N137S.
Identifiers: ClinVar variation 801002 (VCV000801002.7), dbSNP rs746632175, ClinGen allele CA4050877.

ClinVar aggregate classification (germline): Uncertain significance. Review status: criteria provided, multiple submitters, no conflicts (2 of 4 stars). 4 submissions from 4 submitters: Uncertain significance (3). 1 of the submissions does not count toward it. Last evaluated 2024-12-19.

Conditions:
Combined oxidative phosphorylation defect type 11. Also called: Combined oxidative phosphorylation deficiency 11; ENCEPHALONEUROMYOPATHY, INFANTILE, DUE TO MITOCHONDRIAL TRANSLATION DEFECT. Identifiers: Orphanet 324535, MedGen C5190991, MONDO:0013969, OMIM 614922.

Allele frequency attached by ClinVar (database versions not stated): ExAC 0.00001; gnomAD exomes 0.00001 and 0.00002; TOPMed 0.00001.
gnomAD v4.1: 16 of 1,610,946 alleles (0.00099%); highest among the groups gnomAD compares: South Asian, 0.0033%; no homozygotes.

Submissions (4):

Genomic Medicine Center of Excellence, King Faisal Specialist Hospital and Research Centre
Classification: Uncertain significance for Combined oxidative phosphorylation defect type 11. Last evaluated: 2024-12-19. Review status: criteria provided, single submitter. Criteria: ACMG Guidelines, 2015. Collection method: clinical testing. Allele origin: germline.

Labcorp Genetics (formerly Invitae), Labcorp
Classification: Uncertain significance. Last evaluated: 2023-06-13. Review status: criteria provided, single submitter. Criteria: Invitae Variant Classification Sherloc (09022015). Collection method: clinical testing. Allele origin: germline.
Comment: In summary, the available evidence is currently insufficient to determine the role of this variant in disease. Therefore, it has been classified as a Variant of Uncertain Significance. Advanced modeling of protein sequence and biophysical properties (such as structural, functional, and spatial information, amino acid conservation, physicochemical variation, residue mobility, and thermodynamic stability) performed at Invitae indicates that this missense variant is not expected to disrupt RMND1 protein function. ClinVar contains an entry for this variant (Variation ID: 801002). This missense change has been observed in individual(s) with clinical features of RMND1-related conditions (PMID: 31981491). This variant is present in population databases (rs746632175, gnomAD 0.006%). This sequence change replaces asparagine, which is neutral and polar, with serine, which is neutral and polar, at codon 307 of the RMND1 protein (p.Asn307Ser).

Fulgent Genetics
Classification: Uncertain significance for Combined oxidative phosphorylation defect type 11. Last evaluated: 2022-05-17. Review status: criteria provided, single submitter. Criteria: ACMG Guidelines, 2015. Collection method: clinical testing. Allele origin: unknown.

Biochemical Molecular Genetic Laboratory, King Abdulaziz Medical City
Classification: Uncertain significance for Combined oxidative phosphorylation defect type 11. Last evaluated: 2019-09-26. Review status: no assertion criteria provided. Collection method: clinical testing. Allele origin: germline. Affected: yes. Not counted in ClinVar's aggregate classification.

Literature cited by the submitters: PubMed 31981491 (cited by Labcorp Genetics (formerly Invitae), Labcorp).